The following is an entry in ClinVar:

ClinVar aggregate classification (germline): Uncertain significance. Review status: criteria provided, multiple submitters, no conflicts (2 of 4 stars). 2 submissions from 2 submitters: Uncertain significance (2). Last evaluated 2025-08-28.

Conditions:
Gastrointestinal stromal tumor. Also called: Gastrointestinal stroma tumor; Gastrointestinal stromal tumor, somatic. Identifiers: Orphanet 44890, MedGen C0238198, MeSH D046152, MONDO:0011719, OMIM 606764, HP:0100723.
Pheochromocytoma/paraganglioma syndrome 4. Also called: SDHB-Related Hereditary Paraganglioma-Pheochromocytoma Syndrome (Paragangliomas 4); Paragangliomas 4; SDHB-Related Hereditary Paraganglioma-Pheochromocytoma Syndrome; CAROTID BODY TUMORS AND MULTIPLE EXTRAADRENAL PHEOCHROMOCYTOMAS; PARAGANGLIOMA, FAMILIAL MALIGNANT; PARAGANGLIOMAS, HEREDITARY EXTRAADRENAL. Identifiers: Orphanet 29072, MedGen C1861848, MONDO:0007273, OMIM 115310.
Pheochromocytoma. Also called: MAX-Related Hereditary Paraganglioma-Pheochromocytoma Syndrome. Identifiers: Orphanet 29072, MedGen C0031511, MONDO:0008233, OMIM 171300, HP:0002666.
Hereditary cancer-predisposing syndrome. Also called: Tumor predisposition; Hereditary Cancer Syndrome; Neoplastic Syndromes, Hereditary; Hereditary neoplastic syndrome. Identifiers: Orphanet 140162, MedGen C0027672, MeSH D009386, MONDO:0015356.

Submissions (2):

Ambry Genetics
Classification: Uncertain significance for Hereditary cancer-predisposing syndrome. Last evaluated: 2025-08-28. Review status: criteria provided, single submitter. Criteria: Ambry Variant Classification Scheme 2023. Collection method: clinical testing. Allele origin: germline.
Comment: The c.200+3_200+6delGAGT intronic variant, located in intron 2 of the SDHB gene, results from a deletion of 4 nucleotides within intron 2 of the SDHB gene. In silico splice site analysis predicts that this alteration will weaken the native splice donor site; however, direct evidence is insufficient at this time (Ambry internal data). Based on the available evidence, the clinical significance of this variant remains unclear.

Labcorp Genetics (formerly Invitae), Labcorp
Classification: Uncertain significance for Gastrointestinal stromal tumor; Pheochromocytoma/paraganglioma syndrome 4; Pheochromocytoma. Last evaluated: 2021-11-07. Review status: criteria provided, single submitter. Criteria: Invitae Variant Classification Sherloc (09022015). Collection method: clinical testing. Allele origin: germline.
Comment: In summary, the available evidence is currently insufficient to determine the role of this variant in disease. Therefore, it has been classified as a Variant of Uncertain Significance. This variant disrupts the c.200+5G nucleotide in the SDHB gene. Other variant(s) that disrupt this nucleotide have been determined to be pathogenic (Invitae). This suggests that this nucleotide is clinically significant, and that variants that disrupt this position are likely to be disease-causing. Variants that disrupt the consensus splice site are a relatively common cause of aberrant splicing (PMID: 17576681, 9536098). Algorithms developed to predict the effect of sequence changes on RNA splicing suggest that this variant may disrupt the consensus splice site. This variant has not been reported in the literature in individuals affected with SDHB-related conditions. This variant is not present in population databases (gnomAD no frequency). This sequence change falls in intron 2 of the SDHB gene. It does not directly change the encoded amino acid sequence of the SDHB protein. It affects a nucleotide within the consensus splice site.

Literature cited by the submitters: PubMed 17576681 (cited by Labcorp Genetics (formerly Invitae), Labcorp); PubMed 9536098 (cited by Labcorp Genetics (formerly Invitae), Labcorp).

NM_003000.3(SDHB):c.200+3_200+6del

Gene: SDHB (succinate dehydrogenase complex iron sulfur subunit B; minus strand). Cytogenetic location: 1p36.13.
Variant type: Deletion.
Coding change: c.200+3_200+6del on transcript NM_003000.3 (MANE Select); bases 3 to 6 of the intron after coding-DNA position 200, 4 bases deleted (GAGT; older notation c.200+3_200+6delGAGT).
Molecular consequence: splice donor variant.
Genome position (GRCh38, 1-based): chr1:17,044,755-17,044,758, ACTC deleted on the plus strand (GAGT on the coding strand, the reverse complement: SDHB is on the minus strand); deleting any 4 consecutive bases within chr1:17,044,755-17,044,761 gives the same sequence; the c. name uses the placement nearest the transcript's 3' end. VCF-style (leftmost placement, unchanged base first): chr1-17044754-TACTC-T. GRCh37 (hg19) VCF-style: chr1-17371249-TACTC-T.
Other names: c.200+3_200+6delGAGT (NM_003000.2).
Identifiers: ClinVar variation 1350128 (VCV001350128.7), dbSNP rs2101541290, ClinGen allele CA2573130752.